The following is an entry in ClinVar:

NM_172107.4(KCNQ2):c.1054_1055del (p.Ser352fs)

Gene: KCNQ2 (potassium voltage-gated channel subfamily Q member 2; minus strand). Cytogenetic location: 20q13.33.
Variant type: Microsatellite.
Coding change: c.1054_1055del on transcript NM_172107.4 (MANE Select); coding-DNA positions 1054 to 1055, 2 bases deleted (TC; older notation c.1054_1055delTC).
Protein change: p.Ser352fs; shifts the reading frame from serine 352.
Molecular consequence: frameshift variant.
Genome position (GRCh38, 1-based): chr20:63,433,872-63,433,873, GA deleted on the plus strand (TC on the coding strand, the reverse complement: KCNQ2 is on the minus strand); deleting any 2 consecutive bases within chr20:63,433,872-63,433,876 gives the same sequence; the c. name uses the placement nearest the transcript's 3' end. VCF-style (leftmost placement, unchanged base first): chr20-63433871-CGA-C. GRCh37 (hg19) VCF-style: chr20-62065224-CGA-C.
Other names: c.1054_1055del, p.Ser352fs (NM_001382235.1, NM_004518.6, NM_172106.3 and 2 more transcripts); short protein forms S352fs.
Identifiers: ClinVar variation 2863827 (VCV002863827.3), dbSNP rs2516364122, ClinGen allele CA2653807904.

ClinVar aggregate classification (germline): Pathogenic (1 of 4 stars; one submission).

Conditions:
Early-infantile DEE. Also called: Ohtahara syndrome; Early infantile epileptic encephalopathy with suppression bursts; Early infantile epileptic encephalopathy. Identifiers: Orphanet 1934, MedGen C0393706, MONDO:0800491.

Submission:

Labcorp Genetics (formerly Invitae), Labcorp
Classification: Pathogenic for Early-infantile DEE. Last evaluated: 2024-06-17. Review status: criteria provided, single submitter. Criteria: Invitae Variant Classification Sherloc (09022015). Collection method: clinical testing. Allele origin: germline.
Comment: This sequence change creates a premature translational stop signal (p.Ser352Alafs*48) in the KCNQ2 gene. It is expected to result in an absent or disrupted protein product. Loss-of-function variants in KCNQ2 are known to be pathogenic (PMID: 14534157, 23692823, 27779742). This variant is not present in population databases (gnomAD no frequency). This variant has not been reported in the literature in individuals affected with KCNQ2-related conditions. For these reasons, this variant has been classified as Pathogenic.

Literature cited by the submitters: PubMed 14534157; PubMed 23692823; PubMed 27779742.